The following is an entry in ClinVar:

NM_033109.5(PNPT1):c.1738+179C>T

Gene: PNPT1 (polyribonucleotide nucleotidyltransferase 1; minus strand). Cytogenetic location: 2p16.1.
Variant type: single nucleotide variant.
Coding change: c.1738+179C>T on transcript NM_033109.5 (MANE Select); 179 bases into the intron after coding-DNA position 1738, C replaced by T.
Molecular consequence: intron variant.
Genome position (GRCh38, 1-based): chr2:55,646,080, G>A on the plus strand (C>T on the coding strand, the complement: PNPT1 is on the minus strand). VCF-style: chr2-55646080-G-A. GRCh37 (hg19) VCF-style: chr2-55873215-G-A.
Identifiers: ClinVar variation 667459 (VCV000667459.1), dbSNP rs2627777, ClinGen allele CA11115922.
Genomic context (GRCh38, chr2:55,646,080, plus strand): 5'-GTTTCACCATGTTGGCCAGGCTGGTCTCGAACTCCTGACCTGAAGTGATCTGCCTGCCTC[G>A]GCCTCTCAAAGTGCTGGGATTACAGACATGAGCCACCACACCTGGCCAGTACTTCTTGAT-3'

ClinVar aggregate classification (germline): Benign (1 of 4 stars; one submission).

Allele frequency attached by ClinVar (database versions not stated): 1000 Genomes Project 0.31589; 1000 Genomes Project 30x 0.32011; TOPMed 0.43463; gnomAD 0.44779 and 0.45595.
gnomAD v4.1: 67,918 of 151,864 alleles (45%); highest among the groups gnomAD compares: Non-Finnish European, 53%; 16,212 homozygotes.

Submission:

GeneDx
Classification: Benign. Last evaluated: 2018-06-14. Review status: criteria provided, single submitter. Criteria: GeneDx Variant Classification (06012015). Collection method: clinical testing. Allele origin: germline. Affected: yes.
Comment: This variant is considered likely benign or benign based on one or more of the following criteria: it is a conservative change, it occurs at a poorly conserved position in the protein, it is predicted to be benign by multiple in silico algorithms, and/or has population frequency not consistent with disease.